The following is an entry in ClinVar:

ClinVar aggregate classification (germline): Uncertain significance (1 of 4 stars; one submission).

Submission:

GeneDx
Classification: Uncertain significance. Last evaluated: 2016-12-22. Review status: criteria provided, single submitter. Criteria: GeneDx Variant Classification (06012015). Collection method: clinical testing. Allele origin: germline. Affected: yes.
Comment: The L4769S variant of uncertain significance in the RYR2 gene has not been published as a pathogenic variant, nor has it been reported as a benign variant to our knowledge. L4769S was not observed in approximately 6,000 individuals of European and African American ancestry in the NHLBI Exome Sequencing Project, nor was it observed in the Exome Aggregation Consortium, indicating it is not a common benign variant in these populations. The L4769S variant is a non-conservative amino acid substitution, which is likely to impact secondary protein structure as these residues differ in polarity, charge, size, and/or other properties. Moreover, this substitution occurs at a position that is conserved across species, and in silico analysis predicts this variant is probably damaging to the protein structure/function. L4769S is also located in one of the three hot-spot regions of the RYR2 gene, where the majority of pathogenic missense variants occur (Medeiros-Domingo et al., 2009).

NM_001035.3(RYR2):c.14306T>C (p.Leu4769Ser)

Gene: RYR2 (ryanodine receptor 2; plus strand). Cytogenetic location: 1q43.
Variant type: single nucleotide variant.
Coding change: c.14306T>C on transcript NM_001035.3 (MANE Select); coding-DNA position 14306, T replaced by C.
Protein change: p.Leu4769Ser; replaces leucine 4769 with serine.
Molecular consequence: missense variant.
Genome position (GRCh38, 1-based): chr1:237,808,908, T>C. VCF-style: chr1-237808908-T-C. GRCh37 (hg19) VCF-style: chr1-237972208-T-C.
Other names: c.14306T>C, p.Leu4769Ser (LRG_402t1); short protein forms L4769S.
Identifiers: ClinVar variation 392074 (VCV000392074.2), dbSNP rs1057524347, ClinGen allele CA16603584.